The following is an entry in ClinVar:

ClinVar aggregate classification (germline): Uncertain significance (1 of 4 stars; one submission).

Conditions:
Familial sleep-related hypermotor epilepsy. Also called: Autosomal Dominant Sleep-Related Hypermotor (Hyperkinetic) Epilepsy. Identifiers: Orphanet 98784, MedGen C3696898, MONDO:0000030.

Allele frequency attached by ClinVar (database versions not stated): gnomAD exomes 0.00001 and below 0.00001; ExAC 0.00001.
gnomAD v4.1: 7 of 1,614,126 alleles (0.00043%); highest among the groups gnomAD compares: Non-Finnish European, 0.00059%; no homozygotes.

Submission:

Labcorp Genetics (formerly Invitae), Labcorp
Classification: Uncertain significance. Last evaluated: 2021-01-08. Review status: criteria provided, single submitter. Criteria: Invitae Variant Classification Sherloc (09022015). Collection method: clinical testing. Allele origin: germline.
Comment: This variant has not been reported in the literature in individuals with CHRNA2-related conditions. In summary, the available evidence is currently insufficient to determine the role of this variant in disease. Therefore, it has been classified as a Variant of Uncertain Significance. Advanced modeling of protein sequence and biophysical properties (such as structural, functional, and spatial information, amino acid conservation, physicochemical variation, residue mobility, and thermodynamic stability) performed at Invitae indicates that this missense variant is not expected to disrupt CHRNA2 protein function. This variant is present in population databases (rs755338508, ExAC 0.002%). This sequence change replaces glutamic acid with lysine at codon 483 of the CHRNA2 protein (p.Glu483Lys). The glutamic acid residue is highly conserved and there is a small physicochemical difference between glutamic acid and lysine.

NM_000742.4(CHRNA2):c.1447G>A (p.Glu483Lys)

Gene: CHRNA2 (cholinergic receptor nicotinic alpha 2 subunit; minus strand). Cytogenetic location: 8p21.2.
Variant type: single nucleotide variant.
Coding change: c.1447G>A on transcript NM_000742.4 (MANE Select); coding-DNA position 1447, G replaced by A.
Protein change: p.Glu483Lys; replaces glutamic acid 483 with lysine.
Molecular consequence: missense variant.
Genome position (GRCh38, 1-based): chr8:27,462,996, C>T on the plus strand (G>A on the coding strand, the complement: CHRNA2 is on the minus strand). VCF-style: chr8-27462996-C-T. GRCh37 (hg19) VCF-style: chr8-27320513-C-T.
Other names: c.1402G>A, p.Glu468Lys (NM_001282455.2); c.970G>A, p.Glu324Lys (NM_001347705.2, NM_001347706.2); c.853G>A, p.Glu285Lys (NM_001347707.2, NM_001347708.2); short protein forms E483K, E285K, E324K, E468K.
Identifiers: ClinVar variation 1473059 (VCV001473059.8), dbSNP rs755338508, ClinGen allele CA4689455.